The following is an entry in ClinVar:

NM_001734.5(C1S):c.563C>T (p.Ala188Val)

Gene: C1S (complement C1s; plus strand). Cytogenetic location: 12p13.31.
Variant type: single nucleotide variant.
Coding change: c.563C>T on transcript NM_001734.5 (MANE Select); coding-DNA position 563, C replaced by T.
Protein change: p.Ala188Val; replaces alanine 188 with valine.
Molecular consequence: missense variant.
Genome position (GRCh38, 1-based): chr12:7,065,145, C>T. VCF-style: chr12-7065145-C-T. GRCh37 (hg19) VCF-style: chr12-7172449-C-T.
Other names: c.62C>T, p.Ala21Val (NM_001346850.2); c.563C>T, p.Ala188Val (NM_201442.4); c.563C>T (NM_201442.3); short protein forms A188V, A21V.
Identifiers: ClinVar variation 4078136 (VCV004078136.2).

ClinVar aggregate classification (germline): Uncertain significance. Review status: criteria provided, multiple submitters, no conflicts (2 of 4 stars). 2 submissions from 2 submitters: Uncertain significance (2). Last evaluated 2024-10-29.

Conditions:
C1S-related disorder. Also called: C1S-related condition.

gnomAD v4.1: 3 of 1,613,950 alleles (0.00019%); highest among the groups gnomAD compares: Non-Finnish European, 0.00025%; no homozygotes.

Submissions (2):

PreventionGenetics, part of Exact Sciences
Classification: Uncertain significance for C1S-related condition. Last evaluated: 2024-10-29. Review status: criteria provided, single submitter. Criteria: ACMG Guidelines, 2015. Collection method: clinical testing. Allele origin: germline.
Comment: The C1S c.563C>T variant is predicted to result in the amino acid substitution p.Ala188Val. To our knowledge, this variant has not been reported in the literature. This variant is reported in 0.00088% of alleles in individuals of European (Non-Finnish) descent in gnomAD. At this time, the clinical significance of this variant is uncertain due to the absence of conclusive functional and genetic evidence.

Revvity Omics, Revvity
Classification: Uncertain significance. Last evaluated: 2023-12-20. Review status: criteria provided, single submitter. Criteria: ACMG Guidelines, 2015. Collection method: clinical testing. Allele origin: germline.